The following is an entry in ClinVar:

ClinVar aggregate classification (germline): Likely pathogenic (1 of 4 stars; one submission).

Conditions:
Progressive muscular dystrophy. Identifiers: Orphanet 206644, MedGen C4551827, MONDO:0016106.

Submission:

Myriad Genetics, Inc.
Classification: Likely pathogenic for Progressive muscular dystrophy. Last evaluated: 2022-01-31. Review status: criteria provided, single submitter. Criteria: Myriad Autosomal Dominant, Autosomal Recessive and X-Linked Classification Criteria (2023). Collection method: clinical testing. Allele origin: unknown.
Comment: NM_004006.2(DMD):c.5584A>T(K1862*) is expected to be pathogenic in the context of dystrophinopathy (including Duchenne/Becker muscular dystrophy). This variant is predicted to lead to an abnormal or absent protein product due to the creation of a premature termination codon in DMD, a gene where loss-of-function variants are known to be pathogenic. Please note: this variant was assessed in the context of healthy population screening.

NM_004006.3(DMD):c.5584A>T (p.Lys1862Ter)

Gene: DMD (dystrophin; minus strand). Cytogenetic location: Xp21.1.
Variant type: single nucleotide variant.
Coding change: c.5584A>T on transcript NM_004006.3 (MANE Select); coding-DNA position 5584, A replaced by T.
Protein change: p.Lys1862Ter; replaces lysine 1862 with a stop codon.
Molecular consequence: nonsense.
Genome position (GRCh38, 1-based): chrX:32,345,945, T>A on the plus strand (A>T on the coding strand, the complement: DMD is on the minus strand). VCF-style: chrX-32345945-T-A. GRCh37 (hg19) VCF-style: chrX-32364062-T-A.
Other names: c.5560A>T, p.Lys1854Ter (NM_000109.4); c.5572A>T, p.Lys1858Ter (NM_004009.3); c.5215A>T, p.Lys1739Ter (NM_004010.3); c.1561A>T, p.Lys521Ter (NM_004011.4); c.1552A>T, p.Lys518Ter (NM_004012.4); short protein forms K1739*, K1854*, K1858*, K1862*, K518*, K521*.
Identifiers: ClinVar variation 1724183 (VCV001724183.3), dbSNP rs2521958055, ClinGen allele CA412667214.